The following is an entry in ClinVar:

NM_012090.5(MACF1):c.180G>A (p.Ser60=)

Gene: MACF1 (microtubule actin crosslinking factor 1; plus strand). Cytogenetic location: 1p34.3.
Variant type: single nucleotide variant.
Coding change: c.180G>A on transcript NM_012090.5; coding-DNA position 180, G replaced by A.
Protein change: p.Ser60=; no amino-acid change (serine 60 retained).
Molecular consequence: synonymous variant.
Genome position (GRCh38, 1-based): chr1:39,084,398, G>A. VCF-style: chr1-39084398-G-A. GRCh37 (hg19) VCF-style: chr1-39550070-G-A.
Identifiers: ClinVar variation 2672334 (VCV002672334.22), dbSNP rs375441750, ClinGen allele CA779040.

ClinVar aggregate classification (germline): Likely benign. Review status: criteria provided, multiple submitters, no conflicts (2 of 4 stars). 2 submissions from 2 submitters: Likely benign (2). Last evaluated 2024-02-01.

Allele frequency attached by ClinVar (database versions not stated): gnomAD 0.00004; TOPMed 0.00005; ESP Exome Variant Server 0.00008; ExAC 0.00023.
gnomAD v4.1: 218 of 1,612,430 alleles (0.014%); highest among the groups gnomAD compares: Non-Finnish European, 0.018%; no homozygotes.

Submissions (2):

CeGaT Center for Human Genetics Tuebingen
Classification: Likely benign. Last evaluated: 2024-02-01. Review status: criteria provided, single submitter. Criteria: CeGaT Center For Human Genetics Tuebingen Variant Classification Criteria Version 2. Collection method: clinical testing. Allele origin: germline. Affected: yes. Observed: 2 variant alleles.
Comment: MACF1: BP4, BP7

Blueprint Genetics
Classification: Likely benign. Last evaluated: 2023-11-27. Review status: criteria provided, single submitter. Criteria: ACMG Guidelines, 2015. Collection method: clinical testing. Allele origin: germline.